The following is an entry in ClinVar:

ClinVar aggregate classification (germline): Pathogenic/Likely pathogenic. Review status: criteria provided, multiple submitters, no conflicts (2 of 4 stars). 2 submissions from 2 submitters: Pathogenic (1); Likely pathogenic (1). Last evaluated 2023-06-23.

Conditions:
Xeroderma pigmentosum, group C (XPC). Also called: Xeroderma pigmentosum, complementation group C; XERODERMA PIGMENTOSUM III; XP, GROUP C; XPC-Related Xeroderma Pigmentosum. Identifiers: Orphanet 910, MedGen C2752147, MONDO:0010211, OMIM 278720.

Allele frequency attached by ClinVar (database versions not stated): gnomAD exomes below 0.00001; TOPMed below 0.00001; gnomAD 0.00001.

Submissions (2):

Baylor Genetics
Classification: Likely pathogenic for Xeroderma pigmentosum, group C. Last evaluated: 2023-06-23. Review status: criteria provided, single submitter. Criteria: ACMG Guidelines, 2015. Collection method: clinical testing. Allele origin: unknown.

Labcorp Genetics (formerly Invitae), Labcorp
Classification: Pathogenic. Last evaluated: 2023-06-14. Review status: criteria provided, single submitter. Criteria: Invitae Variant Classification Sherloc (09022015). Collection method: clinical testing. Allele origin: germline.
Comment: For these reasons, this variant has been classified as Pathogenic. ClinVar contains an entry for this variant (Variation ID: 2139390). This variant has not been reported in the literature in individuals affected with XPC-related conditions. This variant is present in population databases (no rsID available, gnomAD 0.0009%). This sequence change creates a premature translational stop signal (p.Glu177Lysfs*3) in the XPC gene. It is expected to result in an absent or disrupted protein product. Loss-of-function variants in XPC are known to be pathogenic (PMID: 23173980, 25256075).

Literature cited by the submitters: PubMed 23173980 (cited by Labcorp Genetics (formerly Invitae), Labcorp); PubMed 25256075 (cited by Labcorp Genetics (formerly Invitae), Labcorp).

NM_004628.5(XPC):c.525_526del (p.Glu177fs)

Gene: XPC (XPC complex subunit, DNA damage recognition and repair factor; minus strand). Cytogenetic location: 3p25.1.
Variant type: Deletion.
Coding change: c.525_526del on transcript NM_004628.5 (MANE Select); coding-DNA positions 525 to 526, 2 bases deleted (AA; older notation c.525_526delAA).
Protein change: p.Glu177fs; shifts the reading frame from glutamic acid 177.
Molecular consequence: frameshift variant. On other transcripts: non-coding transcript variant (1), intron variant (1).
Genome position (GRCh38, 1-based): chr3:14,168,267-14,168,268, TT deleted on the plus strand (AA on the coding strand, the reverse complement: XPC is on the minus strand). VCF-style (leftmost placement, unchanged base first): chr3-14168266-CTT-C. GRCh37 (hg19) VCF-style: chr3-14209766-CTT-C.
Other names: c.525_526del, p.Glu177fs (NM_001354727.2, NM_001354730.2); c.507_508del, p.Glu171fs (NM_001354729.2); c.-43-1015_-43-1014del (NM_001354726.2); short protein forms E171fs, E177fs.
Identifiers: ClinVar variation 2139390 (VCV002139390.5), dbSNP rs1273295928, ClinGen allele CA541301715.
Genomic context (GRCh38, chr3:14,168,266, plus strand): 5'-CTGTTGCCTACTGCATGTGACAGGAGCCTAGAAGCAAGGGCCTAAGCTTACCTTCTTTCT[CTT>C]GTCTTCGCCTGCTCTGGCGTTTCAATCTCTATCTCCACTGGCTTCACAGGCAGAAGAGAT-3'